The following is an entry in ClinVar:

NM_001040108.2(MLH3):c.1228G>C (p.Ala410Pro)

Gene: MLH3 (mutL homolog 3; minus strand). Cytogenetic location: 14q24.3.
Variant type: single nucleotide variant.
Coding change: c.1228G>C on transcript NM_001040108.2 (MANE Select); coding-DNA position 1228, G replaced by C.
Protein change: p.Ala410Pro; replaces alanine 410 with proline.
Molecular consequence: missense variant.
Genome position (GRCh38, 1-based): chr14:75,048,428, C>G on the plus strand (G>C on the coding strand, the complement: MLH3 is on the minus strand). VCF-style: chr14-75048428-C-G. GRCh37 (hg19) VCF-style: chr14-75515131-C-G.
Other names: c.1228G>C, p.Ala410Pro (NM_014381.3); short protein forms A410P.
Identifiers: ClinVar variation 3295105 (VCV003295105.1).

ClinVar aggregate classification (germline): Uncertain significance (1 of 4 stars; one submission).

Submission:

Ambry Genetics
Classification: Uncertain significance. Last evaluated: 2024-04-12. Review status: criteria provided, single submitter. Criteria: Ambry Variant Classification Scheme 2023. Collection method: clinical testing. Allele origin: germline.
Comment: The p.A410P variant (also known as c.1228G>C), located in coding exon 1 of the MLH3 gene, results from a G to C substitution at nucleotide position 1228. The alanine at codon 410 is replaced by proline, an amino acid with highly similar properties. This amino acid position is conserved. In addition, this alteration is predicted to be tolerated by in silico analysis. Based on the available evidence, the clinical significance of this variant remains unclear.